The following is an entry in ClinVar:

ClinVar aggregate classification (germline): Conflicting classifications of pathogenicity. Review status: criteria provided, conflicting classifications (1 of 4 stars). 2 submissions from 2 submitters: Uncertain significance (1); Likely benign (1). Last evaluated 2026-06-12.

Conditions:
Chédiak-Higashi syndrome (CHS). Also called: Chediak-Higashi Syndrome. Identifiers: Orphanet 167, MedGen C0007965, MONDO:0008963, OMIM 214500.
Inborn genetic diseases. Identifiers: MedGen C0950123, MeSH D030342.

Allele frequency attached by ClinVar (database versions not stated): ExAC 0.00001; TOPMed 0.00002; gnomAD 0.00001; ESP Exome Variant Server 0.00008.
gnomAD v4.1: 58 of 1,613,892 alleles (0.0036%); highest among the groups gnomAD compares: Non-Finnish European, 0.0045%; no homozygotes.

Submissions (2):

Ambry Genetics
Classification: Likely benign for Inborn genetic diseases. Last evaluated: 2026-06-12. Review status: criteria provided, single submitter. Criteria: Ambry Variant Classification Scheme 2023. Collection method: clinical testing. Allele origin: germline.

Labcorp Genetics (formerly Invitae), Labcorp
Classification: Uncertain significance for Chédiak-Higashi syndrome. Last evaluated: 2024-03-21. Review status: criteria provided, single submitter. Criteria: Invitae Variant Classification Sherloc (09022015). Collection method: clinical testing. Allele origin: germline.
Comment: This sequence change replaces valine, which is neutral and non-polar, with leucine, which is neutral and non-polar, at codon 246 of the LYST protein (p.Val246Leu). This variant is present in population databases (rs142845103, gnomAD 0.002%). This variant has not been reported in the literature in individuals affected with LYST-related conditions. ClinVar contains an entry for this variant (Variation ID: 1515284). Advanced modeling of protein sequence and biophysical properties (such as structural, functional, and spatial information, amino acid conservation, physicochemical variation, residue mobility, and thermodynamic stability) performed at Invitae indicates that this missense variant is not expected to disrupt LYST protein function with a negative predictive value of 80%. In summary, the available evidence is currently insufficient to determine the role of this variant in disease. Therefore, it has been classified as a Variant of Uncertain Significance.

NM_000081.4(LYST):c.736G>C (p.Val246Leu)

Gene: LYST (lysosomal trafficking regulator; minus strand). Cytogenetic location: 1q42.3.
Variant type: single nucleotide variant.
Coding change: c.736G>C on transcript NM_000081.4 (MANE Select); coding-DNA position 736, G replaced by C.
Protein change: p.Val246Leu; replaces valine 246 with leucine.
Molecular consequence: missense variant.
Genome position (GRCh38, 1-based): chr1:235,810,082, C>G on the plus strand (G>C on the coding strand, the complement: LYST is on the minus strand). VCF-style: chr1-235810082-C-G. GRCh37 (hg19) VCF-style: chr1-235973382-C-G.
Other names: c.736G>C (NM_000081.2); c.736G>C, p.Val246Leu (NM_001301365.1); short protein forms V246L.
Identifiers: ClinVar variation 1515284 (VCV001515284.8), dbSNP rs142845103, ClinGen allele CA1467567.